The following is an entry in ClinVar:

ClinVar aggregate classification (germline): Likely pathogenic (1 of 4 stars; one submission).

Conditions:
Muscular dystrophy-dystroglycanopathy (congenital with brain and eye anomalies), type A2. Also called: MUSCULAR DYSTROPHY-DYSTROGLYCANOPATHY (CONGENITAL WITH BRAIN AND EYE ANOMALIES), TYPE A, 2; WALKER-WARBURG SYNDROME OR MUSCLE-EYE-BRAIN DISEASE, POMT2-RELATED. Identifiers: Orphanet 588, Orphanet 899, MedGen C3150411, MONDO:0013154, OMIM 613150.
Autosomal recessive limb-girdle muscular dystrophy type 2N. Also called: MUSCULAR DYSTROPHY-DYSTROGLYCANOPATHY, LIMB-GIRDLE, POMT2-RELATED; Muscular dystrophy-dystroglycanopathy (limb-girdle), type C, 2. Identifiers: Orphanet 206559, MedGen C3150418, MONDO:0013162, OMIM 613158.
Muscular dystrophy-dystroglycanopathy (congenital with impaired intellectual development), type B, 2. Also called: MUSCULAR DYSTROPHY, CONGENITAL, POMT2-RELATED; Muscular dystrophy-dystroglycanopathy (congenital with intellectual disability), type B2. Identifiers: MedGen C3150416, MONDO:0013160, OMIM 613156.

gnomAD v4.1: 2 of 1,612,752 alleles (0.00012%); highest among the groups gnomAD compares: African/African-American, 0.0027%; no homozygotes.

Submission:

Labcorp Genetics (formerly Invitae), Labcorp
Classification: Likely pathogenic for Muscular dystrophy-dystroglycanopathy (congenital with impaired intellectual development), type B, 2; Muscular dystrophy-dystroglycanopathy (congenital with brain and eye anomalies), type A2; Autosomal recessive limb-girdle muscular dystrophy type 2N. Last evaluated: 2025-08-18. Review status: criteria provided, single submitter. Criteria: Invitae Variant Classification Sherloc (09022015). Collection method: clinical testing. Allele origin: germline.
Comment: This sequence change affects a donor splice site in intron 18 of the POMT2 gene. It is expected to disrupt RNA splicing. Variants that disrupt the donor or acceptor splice site typically lead to a loss of protein function (PMID: 16199547), and loss-of-function variants in POMT2 are known to be pathogenic (PMID: 15894594). This variant is not present in population databases (gnomAD no frequency). This variant has not been reported in the literature in individuals affected with POMT2-related conditions. ClinVar contains an entry for this variant (Variation ID: 3752346). Algorithms developed to predict the effect of sequence changes on RNA splicing suggest that this variant may disrupt the consensus splice site. In summary, the currently available evidence indicates that the variant is pathogenic, but additional data are needed to prove that conclusively. Therefore, this variant has been classified as Likely Pathogenic.

Literature cited by the submitters: PubMed 16199547; PubMed 15894594.

NM_013382.7(POMT2):c.1891+1G>A

Gene: POMT2 (protein O-mannosyltransferase 2; minus strand). Cytogenetic location: 14q24.3.
Variant type: single nucleotide variant.
Coding change: c.1891+1G>A on transcript NM_013382.7 (MANE Select); the canonical splice donor site of the intron after coding-DNA position 1891, G replaced by A.
Molecular consequence: splice donor variant.
Genome position (GRCh38, 1-based): chr14:77,279,822, C>T on the plus strand (G>A on the coding strand, the complement: POMT2 is on the minus strand). VCF-style: chr14-77279822-C-T. GRCh37 (hg19) VCF-style: chr14-77746165-C-T.
Identifiers: ClinVar variation 3752346 (VCV003752346.2).